The following is an entry in ClinVar:

NM_014714.4(IFT140):c.76G>C (p.Val26Leu)

Genes: IFT140 (intraflagellar transport 140; minus strand), LOC105371046 (uncharacterized LOC105371046; plus strand). Cytogenetic location: 16p13.3.
Variant type: single nucleotide variant.
Coding change: c.76G>C on transcript NM_014714.4 (MANE Select); coding-DNA position 76, G replaced by C.
Protein change: p.Val26Leu; replaces valine 26 with leucine.
Molecular consequence: missense variant.
Genome position (GRCh38, 1-based): chr16:1,607,191, C>G on the plus strand (G>C on the coding strand, the complement: IFT140 is on the minus strand). VCF-style: chr16-1607191-C-G. GRCh37 (hg19) VCF-style: chr16-1657192-C-G.
Other names: short protein forms V26L.
Identifiers: ClinVar variation 2420437 (VCV002420437.3), dbSNP rs1295600196, ClinGen allele CA394194700.

ClinVar aggregate classification (germline): Uncertain significance (1 of 4 stars; one submission).

Conditions:
Saldino-Mainzer syndrome (SRTD9). Also called: CONORENAL SYNDROME; Renal dysplasia, retinal pigmentary dystrophy, cerebellar ataxia and skeletal dysplasia; SHORT-RIB THORACIC DYSPLASIA 9 WITHOUT POLYDACTYLY; short-rib thoracic dysplasia 9 with or without polydactyly. Identifiers: Orphanet 140969, MedGen C1849437, MONDO:0009964, OMIM 266920.

Allele frequency attached by ClinVar (database versions not stated): gnomAD 0.00003; TOPMed 0.00003.
gnomAD v4.1: 8 of 1,613,998 alleles (0.0005%); highest among the groups gnomAD compares: South Asian, 0.0022%; no homozygotes.

Submission:

Labcorp Genetics (formerly Invitae), Labcorp
Classification: Uncertain significance for Saldino-Mainzer syndrome. Last evaluated: 2022-07-24. Review status: criteria provided, single submitter. Criteria: Invitae Variant Classification Sherloc (09022015). Collection method: clinical testing. Allele origin: germline.
Comment: This sequence change replaces valine, which is neutral and non-polar, with leucine, which is neutral and non-polar, at codon 26 of the IFT140 protein (p.Val26Leu). This variant is present in population databases (no rsID available, gnomAD 0.003%). This variant has not been reported in the literature in individuals affected with IFT140-related conditions. Algorithms developed to predict the effect of missense changes on protein structure and function output the following: SIFT: "Tolerated"; PolyPhen-2: "Benign"; Align-GVGD: "Class C0". The leucine amino acid residue is found in multiple mammalian species, which suggests that this missense change does not adversely affect protein function. In summary, the available evidence is currently insufficient to determine the role of this variant in disease. Therefore, it has been classified as a Variant of Uncertain Significance.